The following is an entry in ClinVar:

ClinVar aggregate classification (germline): Uncertain significance (1 of 4 stars; one submission).

Conditions:
Catecholaminergic polymorphic ventricular tachycardia 1. Also called: VENTRICULAR TACHYCARDIA, STRESS-INDUCED POLYMORPHIC 1; RYR2-Related Catecholaminergic Polymorphic Ventricular Tachycardia; VENTRICULAR TACHYCARDIA, CATECHOLAMINERGIC POLYMORPHIC, 1, WITH OR WITHOUT ATRIAL DYSFUNCTION AND/OR DILATED CARDIOMYOPATHY. Identifiers: Orphanet 3286, MedGen C1631597, MONDO:0011484, OMIM 604772.

Submission:

Labcorp Genetics (formerly Invitae), Labcorp
Classification: Uncertain significance for Catecholaminergic polymorphic ventricular tachycardia 1. Last evaluated: 2025-12-29. Review status: criteria provided, single submitter. Criteria: Invitae Variant Classification Sherloc (09022015). Collection method: clinical testing. Allele origin: germline.
Comment: This sequence change replaces asparagine, which is neutral and polar, with lysine, which is basic and polar, at codon 3085 of the RYR2 protein (p.Asn3085Lys). This variant is not present in population databases (gnomAD no frequency). This variant has not been reported in the literature in individuals affected with RYR2-related conditions. Invitae Evidence Modeling of protein sequence and biophysical properties (such as structural, functional, and spatial information, amino acid conservation, physicochemical variation, residue mobility, and thermodynamic stability) indicates that this missense variant is not expected to disrupt RYR2 protein function with a negative predictive value of 95%. In summary, the available evidence is currently insufficient to determine the role of this variant in disease. Therefore, it has been classified as a Variant of Uncertain Significance.

NM_001035.3(RYR2):c.9255C>A (p.Asn3085Lys)

Gene: RYR2 (ryanodine receptor 2; plus strand). Cytogenetic location: 1q43.
Variant type: single nucleotide variant.
Coding change: c.9255C>A on transcript NM_001035.3 (MANE Select); coding-DNA position 9255, C replaced by A.
Protein change: p.Asn3085Lys; replaces asparagine 3085 with lysine.
Molecular consequence: missense variant.
Genome position (GRCh38, 1-based): chr1:237,700,355, C>A. VCF-style: chr1-237700355-C-A. GRCh37 (hg19) VCF-style: chr1-237863655-C-A.
Other names: short protein forms N3085K.
Identifiers: ClinVar variation 4800102 (VCV004800102.1).